The following is an entry in ClinVar:

NM_016148.5(SHANK1):c.1505G>C (p.Arg502Pro)

Gene: SHANK1 (SH3 and multiple ankyrin repeat domains 1; minus strand). Cytogenetic location: 19q13.33.
Variant type: single nucleotide variant.
Coding change: c.1505G>C on transcript NM_016148.5 (MANE Select); coding-DNA position 1505, G replaced by C.
Protein change: p.Arg502Pro; replaces arginine 502 with proline.
Molecular consequence: missense variant.
Genome position (GRCh38, 1-based): chr19:50,703,548, C>G on the plus strand (G>C on the coding strand, the complement: SHANK1 is on the minus strand). VCF-style: chr19-50703548-C-G. GRCh37 (hg19) VCF-style: chr19-51206805-C-G.
Other names: short protein forms R502P.
Identifiers: ClinVar variation 3376626 (VCV003376626.1).
Genomic context (GRCh38, chr19:50,703,548, plus strand): 5'-TGCCTCCCCTACCTGGGCCGGCCTCGGGGCTGCCTCTTGGCGTCCTCAGGGTGCCTCCCT[C>G]GGGATGGAGAGCGGGCCCTGGCACCCCGGGGGCTGCTGGCACTTCGGAGGGTCCCGCTGC-3'
Protein context (NP_057232.2, residues 492-512): PRGARARSPS[Arg502Pro]GRHPEDAKRQ

ClinVar aggregate classification (germline): Uncertain significance (1 of 4 stars; one submission).

Conditions:
Neurodevelopmental disorder. Identifiers: MedGen C1535926, MeSH D065886, MONDO:0700092.

gnomAD v4.1: 3 of 1,552,218 alleles (0.00019%); highest among the groups gnomAD compares: Non-Finnish European, 0.00026%; no homozygotes.

Submission:

Victorian Clinical Genetics Services, Murdoch Childrens Research Institute
Classification: Uncertain significance for Neurodevelopmental disorder. Last evaluated: 2022-09-02. Review status: criteria provided, single submitter. Criteria: ACMG Guidelines, 2015. Collection method: clinical testing. Allele origin: germline. Inheritance: Autosomal dominant inheritance. Affected: yes.
Comment: Based on the classification scheme VCGS_Germline_v1.3.4, this variant is classified as VUS-3B. Following criteria are met: 0102 - Loss of function is a known mechanism of disease in this gene and is associated with neurodevelopmental disorder (MONDO#0700092), SHANK1-related. (I) 0107 - This gene is associated with autosomal dominant disease. (I) 0115 - Variants in this gene are known to have variable expressivity. Some females with with a large deletion encompassing part of SHANK1 have been noted to have a phenotype of severe anxiety only (PMID: 22503632, 34113010). (I) 0200 - Variant is predicted to result in a missense amino acid change from arginine to proline. (I) 0251 - This variant is heterozygous. (I) 0302 - Variant is present in gnomAD (v2) <0.001 for a dominant condition (1 heterozygote, 0 homozygotes). (SP) 0309 - An alternative amino acid change at the same position has been observed in gnomAD (v2) (4 heterozygotes, 0 homozygotes). (I) 0502 - Missense variant with conflicting in silico predictions and uninformative conservation. (I) 0604 - Variant is not located in an established domain, motif, hotspot or informative constraint region. (I) 0705 - No comparable missense variants have previous evidence for pathogenicity. (I) 0807 - This variant has no previous evidence of pathogenicity. (I) 0905 - No published segregation evidence has been identified for this variant. (I) 1007 - No published functional evidence has been identified for this variant. (I) 1208 - Inheritance information for this variant is not currently available in this individual. (I) Legend: (SP) - Supporting pathogenic, (I) - Information, (SB) - Supporting benign

Literature cited by the submitters: PubMed 22503632; PubMed 34113010.